The following is an entry in ClinVar:

NM_003072.5(SMARCA4):c.544G>A (p.Ala182Thr)

Gene: SMARCA4 (SWI/SNF related BAF chromatin remodeling complex subunit ATPase 4; plus strand). Cytogenetic location: 19p13.2.
Variant type: single nucleotide variant.
Coding change: c.544G>A on transcript NM_003072.5 (MANE Select); coding-DNA position 544, G replaced by A.
Protein change: p.Ala182Thr; replaces alanine 182 with threonine.
Molecular consequence: missense variant. On other transcripts: non-coding transcript variant (1).
Genome position (GRCh38, 1-based): chr19:10,986,377, G>A. VCF-style: chr19-10986377-G-A. GRCh37 (hg19) VCF-style: chr19-11097053-G-A.
Other names: c.544G>A, p.Ala182Thr (NM_001128844.3, NM_001128845.2, NM_001128846.2 and 4 more transcripts); short protein forms A182T.
Identifiers: ClinVar variation 825741 (VCV000825741.10), dbSNP rs1599950706, ClinGen allele CA404056326.

ClinVar aggregate classification (germline): Uncertain significance. Review status: criteria provided, multiple submitters, no conflicts (2 of 4 stars). 2 submissions from 2 submitters: Uncertain significance (2). Last evaluated 2024-01-18.

Conditions:
Rhabdoid tumor predisposition syndrome 2 (RTPS2). Identifiers: Orphanet 231108, Orphanet 69077, MedGen C2750074, MONDO:0013224, OMIM 613325.
Hereditary cancer-predisposing syndrome. Also called: Neoplastic Syndromes, Hereditary; Tumor predisposition; Hereditary neoplastic syndrome; Hereditary Cancer Syndrome. Identifiers: Orphanet 140162, MedGen C0027672, MeSH D009386, MONDO:0015356.

Submissions (2):

Ambry Genetics
Classification: Uncertain significance for Hereditary cancer-predisposing syndrome. Last evaluated: 2024-01-18. Review status: criteria provided, single submitter. Criteria: Ambry Variant Classification Scheme 2023. Collection method: clinical testing. Allele origin: germline.
Comment: The p.A182T variant (also known as c.544G>A), located in coding exon 3 of the SMARCA4 gene, results from a G to A substitution at nucleotide position 544. The alanine at codon 182 is replaced by threonine, an amino acid with similar properties. This amino acid position is highly conserved in available vertebrate species. In addition, the in silico prediction for this alteration is inconclusive. Missense and in-frame variants in SMARCA4 are known to cause neurodevelopmental disorders; however, such associations with rhabdoid tumor predisposition syndrome including small cell carcinoma of the ovary-hypercalcemic type (SCCOHT) are exceedingly rare (Kosho T et al. Am J Med Genet C Semin Med Genet. 2014 Sep;166C(3):262-75; Jelinic P et al. Nat Genet. 2014 May;46(5):424-6). Since supporting evidence is limited at this time, the clinical significance of this alteration remains unclear.

Labcorp Genetics (formerly Invitae), Labcorp
Classification: Uncertain significance for Rhabdoid tumor predisposition syndrome 2. Last evaluated: 2022-12-21. Review status: criteria provided, single submitter. Criteria: Invitae Variant Classification Sherloc (09022015). Collection method: clinical testing. Allele origin: germline.
Comment: In summary, the available evidence is currently insufficient to determine the role of this variant in disease. Therefore, it has been classified as a Variant of Uncertain Significance. Algorithms developed to predict the effect of missense changes on protein structure and function (SIFT, PolyPhen-2, Align-GVGD) all suggest that this variant is likely to be disruptive. ClinVar contains an entry for this variant (Variation ID: 825741). This variant has not been reported in the literature in individuals affected with SMARCA4-related conditions. This variant is not present in population databases (gnomAD no frequency). This sequence change replaces alanine, which is neutral and non-polar, with threonine, which is neutral and polar, at codon 182 of the SMARCA4 protein (p.Ala182Thr).